The following is an entry in ClinVar:

ClinVar aggregate classification (germline): Pathogenic. Review status: criteria provided, single submitter (1 of 4 stars). 2 submissions from 2 submitters: Pathogenic (1). 1 of the submissions does not count toward it. Last evaluated 2016-03-01.

Conditions:
SEMA3D-related disorder. Also called: SEMA3D-related condition.
Progressive sensorineural hearing impairment. Identifiers: MedGen C1843156, HP:0000408.

Allele frequency attached by ClinVar (database versions not stated): gnomAD exomes below 0.00001; gnomAD 0.00001.
gnomAD v4.1: 3 of 1,610,532 alleles (0.00019%); highest among the groups gnomAD compares: Admixed American, 0.0017%; no homozygotes.

Submissions (2):

Otology & Neurotology- Genomics of vestibular disorders (CTS-495), Jose Antonio López Escámez, Centro Pfizer - Universidad de Granada - Junta de Andalucía de Genómica e Investigación Oncológica (GENYO)
Classification: Pathogenic for Progressive sensorineural hearing impairment. Last evaluated: 2016-03-01. Review status: criteria provided, single submitter. Criteria: Martin-Sierra et al. (Eur J Hum Genet. 2017). Collection method: research. Allele origin: inherited. Affected: yes. Observed: 3 variant alleles.

PreventionGenetics, part of Exact Sciences
Classification: Uncertain significance for SEMA3D-related condition. Last evaluated: 2024-01-09. Review status: no assertion criteria provided. Collection method: clinical testing. Allele origin: germline. Not counted in ClinVar's aggregate classification.
Comment: The SEMA3D c.1738C>T variant is predicted to result in the amino acid substitution p.Pro580Ser. This variant along with several variants in other genes was reported in a family with Ménière's disease (Table 1, Martín-Sierra et al 2017. PubMed ID: 27876815). This variant has not been reported in a large population database, indicating this variant is rare. At this time, the clinical significance of this variant is uncertain due to the absence of conclusive functional and genetic evidence.

NM_001384900.1(SEMA3D):c.1738C>T (p.Pro580Ser)

Gene: SEMA3D (semaphorin 3D; minus strand). Cytogenetic location: 7q21.11.
Variant type: single nucleotide variant.
Coding change: c.1738C>T on transcript NM_001384900.1 (MANE Select); coding-DNA position 1738, C replaced by T.
Protein change: p.Pro580Ser; replaces proline 580 with serine.
Molecular consequence: missense variant.
Genome position (GRCh38, 1-based): chr7:85,012,812, G>A on the plus strand (C>T on the coding strand, the complement: SEMA3D is on the minus strand). VCF-style: chr7-85012812-G-A. GRCh37 (hg19) VCF-style: chr7-84642128-G-A.
Other names: c.1738C>T, p.Pro580Ser (NM_001384901.1, NM_001384902.1, NM_001384903.1 and 1 more transcripts); short protein forms P580S.
Identifiers: ClinVar variation 224833 (VCV000224833.3), dbSNP rs1057519374, ClinGen allele CA16044147.
Genomic context (GRCh38, chr7:85,012,812, plus strand): 5'-GGAGAAAAAGCATATCAGAGCTGTACTTACTGTCTTCGATGTCCCAGCACTGGGTGATTG[G>A]GTCGCCATATTTTACATCTTGGCGTCTAGCTCTCCTGCGGAAAGGGGATTAAACTTATTA-3'
Protein context (NP_001371829.1, residues 570-590): ARRQDVKYGD[Pro580Ser]ITQCWDIEDS